The following is an entry in ClinVar:

NM_018109.4(MTPAP):c.925C>T (p.Arg309Trp)

Gene: MTPAP (mitochondrial poly(A) polymerase; minus strand). Cytogenetic location: 10p11.23.
Variant type: single nucleotide variant.
Coding change: c.925C>T on transcript NM_018109.4 (MANE Select); coding-DNA position 925, C replaced by T.
Protein change: p.Arg309Trp; replaces arginine 309 with tryptophan.
Molecular consequence: missense variant.
Genome position (GRCh38, 1-based): chr10:30,326,491, G>A on the plus strand (C>T on the coding strand, the complement: MTPAP is on the minus strand). VCF-style: chr10-30326491-G-A. GRCh37 (hg19) VCF-style: chr10-30615420-G-A.
Other names: short protein forms R309W.
Identifiers: ClinVar variation 1523308 (VCV001523308.4), dbSNP rs572345209, ClinGen allele CA5459076.
Genomic context (GRCh38, chr10:30,326,491, plus strand): 5'-TCGTAGTCAAATCACACTGAAATCCGGAGGCCTGGTGTGAGAACCTCACGAGCGGACACC[G>A]GGCATTTAATATTTTTTGCACACCCACACAGCCAGGGCCAAAGTGGTCAAGGCACTCTCC-3'
Protein context (NP_060579.3, residues 299-319): CVGVQKILNA[Arg309Trp]CPLVRFSHQA

ClinVar aggregate classification (germline): Uncertain significance (1 of 4 stars; one submission).

Allele frequency attached by ClinVar (database versions not stated): gnomAD 0.00001; gnomAD exomes 0.00003; ExAC 0.00004; TOPMed 0.00004; 1000 Genomes Project 30x 0.00016; 1000 Genomes Project 0.00020.
gnomAD v4.1: 47 of 1,614,062 alleles (0.0029%); highest among the groups gnomAD compares: Admixed American, 0.0083%; no homozygotes.

Submission:

Labcorp Genetics (formerly Invitae), Labcorp
Classification: Uncertain significance. Last evaluated: 2025-04-14. Review status: criteria provided, single submitter. Criteria: Invitae Variant Classification Sherloc (09022015). Collection method: clinical testing. Allele origin: germline.
Comment: This sequence change replaces arginine, which is basic and polar, with tryptophan, which is neutral and slightly polar, at codon 309 of the MTPAP protein (p.Arg309Trp). This variant is present in population databases (rs572345209, gnomAD 0.01%). This variant has not been reported in the literature in individuals affected with MTPAP-related conditions. ClinVar contains an entry for this variant (Variation ID: 1523308). Invitae Evidence Modeling of protein sequence and biophysical properties (such as structural, functional, and spatial information, amino acid conservation, physicochemical variation, residue mobility, and thermodynamic stability) indicates that this missense variant is expected to disrupt MTPAP protein function with a positive predictive value of 80%. In summary, the available evidence is currently insufficient to determine the role of this variant in disease. Therefore, it has been classified as a Variant of Uncertain Significance.